The following is an entry in ClinVar:

ClinVar aggregate classification (germline): Uncertain significance (1 of 4 stars; one submission).

Conditions:
Neuropathy, hereditary sensory, type 1F. Also called: HSN IF; Hereditary sensory neuropathy type IF. Identifiers: Orphanet 36386, MedGen C3810194, MONDO:0014286, OMIM 615632.

Submission:

Labcorp Genetics (formerly Invitae), Labcorp
Classification: Uncertain significance for Neuropathy, hereditary sensory, type 1F. Last evaluated: 2024-09-21. Review status: criteria provided, single submitter. Criteria: Invitae Variant Classification Sherloc (09022015). Collection method: clinical testing. Allele origin: germline.
Comment: This sequence change replaces valine, which is neutral and non-polar, with phenylalanine, which is neutral and non-polar, at codon 212 of the ATL3 protein (p.Val212Phe). This variant is not present in population databases (gnomAD no frequency). This variant has not been reported in the literature in individuals affected with ATL3-related conditions. Invitae Evidence Modeling of protein sequence and biophysical properties (such as structural, functional, and spatial information, amino acid conservation, physicochemical variation, residue mobility, and thermodynamic stability) indicates that this missense variant is expected to disrupt ATL3 protein function with a positive predictive value of 80%. Algorithms developed to predict the effect of sequence changes on RNA splicing suggest that this variant may disrupt the consensus splice site. In summary, the available evidence is currently insufficient to determine the role of this variant in disease. Therefore, it has been classified as a Variant of Uncertain Significance.

NM_015459.5(ATL3):c.634G>T (p.Val212Phe)

Genes: ATL3 (atlastin GTPase 3; minus strand), LNCROPM (lncRNA regulator of PLAAT3 mediated phospholipid metabolism; plus strand). Cytogenetic location: 11q13.1.
Variant type: single nucleotide variant.
Coding change: c.634G>T on transcript NM_015459.5 (MANE Select); coding-DNA position 634, G replaced by T.
Protein change: p.Val212Phe; replaces valine 212 with phenylalanine.
Molecular consequence: missense variant.
Genome position (GRCh38, 1-based): chr11:63,644,246, C>A on the plus strand (G>T on the coding strand, the complement: ATL3 is on the minus strand). VCF-style: chr11-63644246-C-A. GRCh37 (hg19) VCF-style: chr11-63411718-C-A.
Other names: c.580G>T, p.Val194Phe (NM_001290048.2); short protein forms V212F, V194F.
Identifiers: ClinVar variation 3719841 (VCV003719841.2).